The following is an entry in ClinVar:

NM_014009.4(FOXP3):c.816G>A (p.Val272=)

Gene: FOXP3 (forkhead box P3; minus strand). Cytogenetic location: Xp11.23.
Variant type: single nucleotide variant.
Coding change: c.816G>A on transcript NM_014009.4 (MANE Select); coding-DNA position 816, G replaced by A.
Protein change: p.Val272=; no amino-acid change (valine 272 retained).
Molecular consequence: synonymous variant.
Genome position (GRCh38, 1-based): chrX:49,255,429, C>T on the plus strand (G>A on the coding strand, the complement: FOXP3 is on the minus strand). VCF-style: chrX-49255429-C-T. GRCh37 (hg19) VCF-style: chrX-49111890-C-T.
Other names: c.711G>A, p.Val237= (NM_001114377.2).
Identifiers: ClinVar variation 2822037 (VCV002822037.3), dbSNP rs1557116149, ClinGen allele CA516396998.

ClinVar aggregate classification (germline): Uncertain significance (1 of 4 stars; one submission).

Conditions:
Insulin-dependent diabetes mellitus secretory diarrhea syndrome (IPEX). Also called: IMMUNODEFICIENCY, POLYENDOCRINOPATHY, AND ENTEROPATHY, X-LINKED; Immune dysregulation-polyendocrinopathy-enteropathy-X-linked syndrome; Immunodeficiency, Polyendocrinopathy, and Enteropathy X-Linked Syndrome; X-Linked Syndrome of Polyendocrinopathy, Immune Dysfunction, and Diarrhea; DIABETES MELLITUS, CONGENITAL INSULIN-DEPENDENT, WITH FATAL SECRETORY DIARRHEA; DIARRHEA, POLYENDOCRINOPATHY, FATAL INFECTION SYNDROME, X-LINKED. Identifiers: Orphanet 37042, MedGen C0342288, MONDO:0010580, OMIM 304790. Disease mechanism: loss of function.

gnomAD v4.1: 1 of 1,203,627 alleles (0.000083%); no homozygotes.

Submission:

Labcorp Genetics (formerly Invitae), Labcorp
Classification: Uncertain significance for Insulin-dependent diabetes mellitus secretory diarrhea syndrome. Last evaluated: 2023-04-13. Review status: criteria provided, single submitter. Criteria: Invitae Variant Classification Sherloc (09022015). Collection method: clinical testing. Allele origin: germline.
Comment: In summary, the available evidence is currently insufficient to determine the role of this variant in disease. Therefore, it has been classified as a Variant of Uncertain Significance. This sequence change affects codon 272 of the FOXP3 mRNA. It is a 'silent' change, meaning that it does not change the encoded amino acid sequence of the FOXP3 protein. This variant also falls at the last nucleotide of exon 8, which is part of the consensus splice site for this exon. This variant is not present in population databases (gnomAD no frequency). This variant has not been reported in the literature in individuals affected with FOXP3-related conditions. Variants that disrupt the consensus splice site are a relatively common cause of aberrant splicing (PMID: 17576681, 9536098). Algorithms developed to predict the effect of sequence changes on RNA splicing suggest that this variant may disrupt the consensus splice site.

Literature cited by the submitters: PubMed 17576681; PubMed 9536098.